The following is an entry in ClinVar:

NM_005918.4(MDH2):c.164T>C (p.Leu55Pro)

Gene: MDH2 (malate dehydrogenase 2; plus strand). Cytogenetic location: 7q11.23.
Variant type: single nucleotide variant.
Coding change: c.164T>C on transcript NM_005918.4 (MANE Select); coding-DNA position 164, T replaced by C.
Protein change: p.Leu55Pro; replaces leucine 55 with proline.
Molecular consequence: missense variant. On other transcripts: intron variant (1).
Genome position (GRCh38, 1-based): chr7:76,054,927, T>C. VCF-style: chr7-76054927-T-C. GRCh37 (hg19) VCF-style: chr7-75684245-T-C.
Other names: c.164T>C, p.Leu55Pro (NM_001282403.2); c.-86-2483T>C (NM_001282404.2); short protein forms L55P.
Identifiers: ClinVar variation 3225181 (VCV003225181.1), dbSNP rs2535852793, ClinGen allele CA367762506.

ClinVar aggregate classification (germline): Uncertain significance (1 of 4 stars; one submission).

Conditions:
Inborn genetic diseases. Identifiers: MedGen C0950123, MeSH D030342.

Submission:

Ambry Genetics
Classification: Uncertain significance for Inborn genetic diseases. Last evaluated: 2023-10-26. Review status: criteria provided, single submitter. Criteria: Ambry Variant Classification Scheme 2023. Collection method: clinical testing. Allele origin: germline.
Comment: The p.L55P variant (also known as c.164T>C), located in coding exon 2 of the MDH2 gene, results from a T to C substitution at nucleotide position 164. The leucine at codon 55 is replaced by proline, an amino acid with similar properties. This amino acid position is conserved. In addition, this alteration is predicted to be deleterious by in silico analysis. Since supporting evidence is limited at this time, the clinical significance of this alteration remains unclear.